The following is an entry in ClinVar:

NM_001371727.1(GABRB2):c.1307C>A (p.Ala436Asp)

Gene: GABRB2 (gamma-aminobutyric acid type A receptor subunit beta2; minus strand). Cytogenetic location: 5q34.
Variant type: single nucleotide variant.
Coding change: c.1307C>A on transcript NM_001371727.1 (MANE Select); coding-DNA position 1307, C replaced by A.
Protein change: p.Ala436Asp; replaces alanine 436 with aspartic acid.
Molecular consequence: missense variant.
Genome position (GRCh38, 1-based): chr5:161,294,313, G>T on the plus strand (C>A on the coding strand, the complement: GABRB2 is on the minus strand). VCF-style: chr5-161294313-G-T. GRCh37 (hg19) VCF-style: chr5-160721320-G-T.
Other names: c.1193C>A, p.Ala398Asp (NM_000813.3); c.1307C>A, p.Ala436Asp (NM_021911.3); short protein forms A436D, A398D.
Identifiers: ClinVar variation 4761120 (VCV004761120.1).

ClinVar aggregate classification (germline): Uncertain significance (1 of 4 stars; one submission).

Conditions:
Intellectual disability. Also called: Intellectual functioning disability; intellectual disabilities; Intellectual developmental disorder. Identifiers: MedGen C3714756, MeSH D008607, MONDO:0001071, HP:0001249.

gnomAD v4.1: 3 of 1,614,130 alleles (0.00019%); highest among the groups gnomAD compares: East Asian, 0.0067%; no homozygotes.

Submission:

Labcorp Genetics (formerly Invitae), Labcorp
Classification: Uncertain significance for Intellectual disability. Last evaluated: 2025-02-02. Review status: criteria provided, single submitter. Criteria: Invitae Variant Classification Sherloc (09022015). Collection method: clinical testing. Allele origin: germline.
Comment: This sequence change replaces alanine, which is neutral and non-polar, with aspartic acid, which is acidic and polar, at codon 436 of the GABRB2 protein (p.Ala436Asp). This variant is not present in population databases (gnomAD no frequency). This variant has not been reported in the literature in individuals affected with GABRB2-related conditions. Invitae Evidence Modeling of protein sequence and biophysical properties (such as structural, functional, and spatial information, amino acid conservation, physicochemical variation, residue mobility, and thermodynamic stability) indicates that this missense variant is not expected to disrupt GABRB2 protein function with a negative predictive value of 95%. In summary, the available evidence is currently insufficient to determine the role of this variant in disease. Therefore, it has been classified as a Variant of Uncertain Significance.